The following is an entry in ClinVar:

NM_000384.3(APOB):c.3740A>G (p.Tyr1247Cys)

Gene: APOB (apolipoprotein B; minus strand). Cytogenetic location: 2p24.1.
Variant type: single nucleotide variant.
Coding change: c.3740A>G on transcript NM_000384.3 (MANE Select); coding-DNA position 3740, A replaced by G.
Protein change: p.Tyr1247Cys; replaces tyrosine 1247 with cysteine.
Molecular consequence: missense variant.
Genome position (GRCh38, 1-based): chr2:21,014,550, T>C on the plus strand (A>G on the coding strand, the complement: APOB is on the minus strand). VCF-style: chr2-21014550-T-C. GRCh37 (hg19) VCF-style: chr2-21237422-T-C.
Other names: p.Tyr1247Cys; short protein forms Y1247C.
Identifiers: ClinVar variation 265886 (VCV000265886.48), dbSNP rs61741164, ClinGen allele CA059556.

ClinVar aggregate classification (germline): Conflicting classifications of pathogenicity. Review status: criteria provided, conflicting classifications (1 of 4 stars). 13 submissions from 12 submitters: Uncertain significance (4); Benign (2); Likely benign (3). 4 of the submissions do not count toward it. Last evaluated 2026-01-21.

Conditions:
APOB-related disorder. Also called: APOB-related disorders; APOB-related condition.
Familial hypobetalipoproteinemia 1. Also called: Hypobetalipoproteinemia, normotriglyceridemic; Acanthocytosis with hypobetalipoproteinemia; APOB-Related Familial Hypobetalipoproteinemia. Identifiers: MedGen C4551990, MONDO:0014252, OMIM 615558.
Hypercholesterolemia, autosomal dominant, type B (FHCL2). Also called: Familial Hypercholesterolemia Type B; APOB-Related Familial Hypercholesterolemia, Autosomal Dominant; Hyperlipoproteinemia Type IIb; Familial hypercholesterolemia 2; APOLIPOPROTEIN B-100, FAMILIAL DEFECTIVE; APOLIPOPROTEIN B-100, FAMILIAL LIGAND-DEFECTIVE. Identifiers: MedGen C1704417, MONDO:0007751, OMIM 144010.
Hypercholesterolemia, familial, 1. Also called: LDL RECEPTOR DISORDER; Hyperlipoproteinemia Type IIa; HYPER-LOW-DENSITY-LIPOPROTEINEMIA; HYPERCHOLESTEROLEMIC XANTHOMATOSIS, FAMILIAL; Fredrickson type IIa hyperlipoproteinemia; Hyperlipoproteinemia type 2. Identifiers: Orphanet 391665, MedGen C0745103, MONDO:0007750, OMIM 143890.
Cardiovascular phenotype. Identifiers: MedGen CN230736.

Allele frequency attached by ClinVar (database versions not stated): gnomAD exomes 0.00024 and 0.00033; ExAC 0.00031; ESP Exome Variant Server 0.00054; 1000 Genomes Project 0.00060; gnomAD 0.00067 and 0.00071; 1000 Genomes Project 30x 0.00078; TOPMed 0.00079.
gnomAD v4.1: 479 of 1,614,060 alleles (0.03%); highest among the groups gnomAD compares: African/African-American, 0.14%; no homozygotes.

Submissions (13):

Labcorp Genetics (formerly Invitae), Labcorp
Classification: Likely benign for Familial hypobetalipoproteinemia 1; Hypercholesterolemia, autosomal dominant, type B. Last evaluated: 2026-01-21. Review status: criteria provided, single submitter. Criteria: Invitae Variant Classification Sherloc (09022015). Collection method: clinical testing. Allele origin: germline.

GeneDx
Classification: Uncertain significance. Last evaluated: 2025-05-08. Review status: criteria provided, single submitter. Criteria: GeneDx Variant Classification Process June 2021. Collection method: clinical testing. Allele origin: germline. Affected: yes.
Comment: Identified in patients with hypercholesterolemia in the published literature; however, this variant did not segregate with disease in an affected relative, was identified in two normolipidaemic control individuals, and functional assays of patient lymphocytes showed no effect on apoB function (PMID: 24234650, 30842500); Identified in one individual with suspected primary hypobetalipoproteinemia (HBL) in the published literature (PMID: 30782561); In silico analysis supports that this missense variant has a deleterious effect on protein structure/function; Also known as p.(Y1220C); This variant is associated with the following publications: (PMID: 26020417, 30842500, 35047021, 24234650, 30782561)

Molecular Diagnostic Laboratory for Inherited Cardiovascular Disease, Montreal Heart Institute
Classification: Likely benign. Last evaluated: 2025-04-09. Review status: criteria provided, single submitter. Criteria: ACMG Guidelines, 2015. Collection method: clinical testing. Allele origin: germline. Affected: no.
Comment: BS4, BS3_supp

Quest Diagnostics Nichols Institute San Juan Capistrano
Classification: Uncertain significance. Last evaluated: 2025-03-31. Review status: criteria provided, single submitter. Criteria: Quest Diagnostics criteria. Collection method: clinical testing. Allele origin: unknown.
Comment: The APOB c.3740A>G (p.Tyr1247Cys) variant has been reported in the published literature in individuals with hypercholesterolemia (PMIDs: 26020417 (2016) and 35047021 (2021)), in an individual with suspected primary hypobetalipoproteinemia (PMID: 30782561(2019), and in normolipidaemic individuals (PMID: 24234650 (2014)). Functional assays using patient lymphocytes showed that the variant has no effect on apoB function (PMID: 24234650 (2014)). The frequency of this variant in the general population (Genome Aggregation Database) is higher than would generally be expected for pathogenic variants in this gene. Analysis of this variant using bioinformatics tools for the prediction of the effect of amino acid changes on protein structure and function yielded conflicting predictions that this variant is benign or damaging. Based on the available information, we are unable to determine the clinical significance of this variant.

Ambry Genetics
Classification: Likely benign for Cardiovascular phenotype. Last evaluated: 2023-06-05. Review status: criteria provided, single submitter. Criteria: Ambry Variant Classification Scheme 2023. Collection method: clinical testing. Allele origin: germline.

Mayo Clinic Laboratories, Mayo Clinic
Classification: Benign. Last evaluated: 2021-03-23. Review status: criteria provided, single submitter. Criteria: ACMG Guidelines, 2015. Collection method: clinical testing. Allele origin: germline. Observed: 2 variant alleles.

Illumina Laboratory Services, Illumina
Classification: Uncertain significance for Familial hypobetalipoproteinemia 1. Last evaluated: 2018-01-13. Review status: criteria provided, single submitter. Criteria: ICSL Variant Classification Criteria 13 December 2019. Collection method: clinical testing. Allele origin: germline.

Illumina Laboratory Services, Illumina
Classification: Uncertain significance for Hypercholesterolemia, autosomal dominant, type B. Last evaluated: 2018-01-13. Review status: criteria provided, single submitter. Criteria: ICSL Variant Classification Criteria 13 December 2019. Collection method: clinical testing. Allele origin: germline.

Cardiovascular Research Group, Instituto Nacional de Saude Doutor Ricardo Jorge
Classification: Benign for Familial hypercholesterolemia. Last evaluated: 2016-03-01. Review status: criteria provided, single submitter. Criteria: ACMG Guidelines, 2015. Collection method: research. Allele origin: germline. Affected: yes.
Comment: 2/96 normolipidaemic Portuguese controls

PreventionGenetics, part of Exact Sciences
Classification: Likely benign for APOB-related condition. Last evaluated: 2019-11-08. Review status: no assertion criteria provided. Collection method: clinical testing. Allele origin: germline. Not counted in ClinVar's aggregate classification.
Comment: This variant is classified as likely benign based on ACMG/AMP sequence variant interpretation guidelines (Richards et al. 2015 PMID: 25741868, with internal and published modifications).

Metabolic Liver Diseases Lab, Fondazione IRCCS Ca Granda Policlinico, University of Milan
Classification: Likely pathogenic for Familial hypobetalipoproteinemia 1. Last evaluated: 2018-12-01. Review status: no assertion criteria provided. Collection method: case-control. Allele origin: germline. Affected: yes. Observed: 1 variant allele. Not counted in ClinVar's aggregate classification.

Clinical Genetics DNA and cytogenetics Diagnostics Lab, Erasmus MC, Erasmus Medical Center
Classification: Likely benign. Review status: no assertion criteria provided. Collection method: clinical testing. Allele origin: germline. Affected: yes. Study: VKGL Data-share Consensus. Not counted in ClinVar's aggregate classification.

Clinical Genetics, Academic Medical Center
Classification: Likely benign. Review status: no assertion criteria provided. Collection method: clinical testing. Allele origin: germline. Affected: yes. Study: VKGL Data-share Consensus. Not counted in ClinVar's aggregate classification.

Literature cited by the submitters: PubMed 30842500 (cited by Quest Diagnostics Nichols Institute San Juan Capistrano and Metabolic Liver Diseases Lab, Fondazione IRCCS Ca Granda Policlinico, University of Milan); PubMed 30782561 (cited by Quest Diagnostics Nichols Institute San Juan Capistrano and Ambry Genetics); PubMed 24234650 (cited by Quest Diagnostics Nichols Institute San Juan Capistrano and Cardiovascular Research Group, Instituto Nacional de Saude Doutor Ricardo Jorge); PubMed 29261184 (cited by Quest Diagnostics Nichols Institute San Juan Capistrano); PubMed 26020417 (cited by Quest Diagnostics Nichols Institute San Juan Capistrano); PubMed 35047021 (cited by Quest Diagnostics Nichols Institute San Juan Capistrano).